The following is an entry in ClinVar:

NM_000843.4(GRM6):c.1036C>T (p.Arg346Ter)

Genes: GRM6 (glutamate metabotropic receptor 6; minus strand), ZNF454 (zinc finger protein 454; plus strand). Cytogenetic location: 5q35.3.
Variant type: single nucleotide variant.
Coding change: c.1036C>T on transcript NM_000843.4 (MANE Select); coding-DNA position 1036, C replaced by T.
Protein change: p.Arg346Ter; replaces arginine 346 with a stop codon.
Molecular consequence: nonsense.
Genome position (GRCh38, 1-based): chr5:178,989,382, G>A on the plus strand (C>T on the coding strand, the complement: GRM6 is on the minus strand). VCF-style: chr5-178989382-G-A. GRCh37 (hg19) VCF-style: chr5-178416383-G-A.
Other names: short protein forms R346*.
Identifiers: ClinVar variation 1433743 (VCV001433743.6), dbSNP rs1760632389, ClinGen allele CA362430737.

ClinVar aggregate classification (germline): Pathogenic (1 of 4 stars; one submission).

Allele frequency attached by ClinVar (database versions not stated): TOPMed below 0.00001.
gnomAD v4.1: 6 of 1,613,984 alleles (0.00037%); highest among the groups gnomAD compares: Non-Finnish European, 0.00042%; no homozygotes.

Submission:

Labcorp Genetics (formerly Invitae), Labcorp
Classification: Pathogenic. Last evaluated: 2022-09-27. Review status: criteria provided, single submitter. Criteria: Invitae Variant Classification Sherloc (09022015). Collection method: clinical testing. Allele origin: germline.
Comment: This variant has not been reported in the literature in individuals affected with GRM6-related conditions. This variant is not present in population databases (gnomAD no frequency). For these reasons, this variant has been classified as Pathogenic. This sequence change creates a premature translational stop signal (p.Arg346*) in the GRM6 gene. It is expected to result in an absent or disrupted protein product. Loss-of-function variants in GRM6 are known to be pathogenic (PMID: 15781871, 16622103, 22008250). ClinVar contains an entry for this variant (Variation ID: 1433743).

Literature cited by the submitters: PubMed 15781871; PubMed 16622103; PubMed 22008250.